The following is an entry in ClinVar:

ClinVar aggregate classification (germline): Uncertain significance (1 of 4 stars; one submission).

Conditions:
Adams-Oliver syndrome 5 (AOS5). Identifiers: Orphanet 974, MedGen C4014970, MONDO:0014459, OMIM 616028.

Submission:

Labcorp Genetics (formerly Invitae), Labcorp
Classification: Uncertain significance for Adams-Oliver syndrome 5. Last evaluated: 2021-05-31. Review status: criteria provided, single submitter. Criteria: Invitae Variant Classification Sherloc (09022015). Collection method: clinical testing. Allele origin: germline.
Comment: In summary, the available evidence is currently insufficient to determine the role of this variant in disease. Therefore, it has been classified as a Variant of Uncertain Significance. Advanced modeling of protein sequence and biophysical properties (such as structural, functional, and spatial information, amino acid conservation, physicochemical variation, residue mobility, and thermodynamic stability) performed at Invitae indicates that this missense variant is not expected to disrupt NOTCH1 protein function. This variant has not been reported in the literature in individuals with NOTCH1-related conditions. This variant is not present in population databases (ExAC no frequency). This sequence change replaces asparagine with serine at codon 33 of the NOTCH1 protein (p.Asn33Ser). The asparagine residue is moderately conserved and there is a small physicochemical difference between asparagine and serine.

NM_017617.5(NOTCH1):c.98A>G (p.Asn33Ser)

Gene: NOTCH1 (notch receptor 1; minus strand). Cytogenetic location: 9q34.3.
Variant type: single nucleotide variant.
Coding change: c.98A>G on transcript NM_017617.5 (MANE Select); coding-DNA position 98, A replaced by G.
Protein change: p.Asn33Ser; replaces asparagine 33 with serine.
Molecular consequence: missense variant.
Genome position (GRCh38, 1-based): chr9:136,544,066, T>C on the plus strand (A>G on the coding strand, the complement: NOTCH1 is on the minus strand). VCF-style: chr9-136544066-T-C. GRCh37 (hg19) VCF-style: chr9-139438518-T-C.
Other names: short protein forms N33S.
Identifiers: ClinVar variation 1492526 (VCV001492526.8), dbSNP rs2133406228, ClinGen allele CA375579103.